The following is an entry in ClinVar:

NM_000051.4(ATM):c.5634G>T (p.Ser1878=)

Gene: ATM (ATM serine/threonine kinase; plus strand). Cytogenetic location: 11q22.3.
Variant type: single nucleotide variant.
Coding change: c.5634G>T on transcript NM_000051.4 (MANE Select); coding-DNA position 5634, G replaced by T.
Protein change: p.Ser1878=; no amino-acid change (serine 1878 retained).
Molecular consequence: synonymous variant.
Genome position (GRCh38, 1-based): chr11:108,304,812, G>T. VCF-style: chr11-108304812-G-T. GRCh37 (hg19) VCF-style: chr11-108175539-G-T.
Other names: c.5634G>T, p.Ser1878= (NM_001351834.2).
Identifiers: ClinVar variation 697177 (VCV000697177.5), dbSNP rs767070325, ClinGen allele CA6265743.

ClinVar aggregate classification (germline): Benign/Likely benign. Review status: criteria provided, multiple submitters, no conflicts (2 of 4 stars). 3 submissions from 3 submitters: Benign (1); Likely benign (2). Last evaluated 2024-05-23.

Conditions:
Hereditary cancer-predisposing syndrome. Also called: Neoplastic Syndromes, Hereditary; Hereditary Cancer Syndrome; Tumor predisposition; Hereditary neoplastic syndrome. Identifiers: Orphanet 140162, MedGen C0027672, MeSH D009386, MONDO:0015356.
Familial cancer of breast. Also called: hereditary breast carcinoma; BREAST CANCER, FAMILIAL; Hereditary breast cancer. Identifiers: Orphanet 227535, MedGen C0346153, MONDO:0016419, OMIM 114480. Disease mechanism: loss of function.

gnomAD v4.1: 2 of 1,612,646 alleles (0.00012%); highest among the groups gnomAD compares: Non-Finnish European, 0.00017%; no homozygotes.

Submissions (3):

Myriad Genetics, Inc.
Classification: Benign for Familial cancer of breast. Last evaluated: 2024-05-23. Review status: criteria provided, single submitter. Criteria: Myriad Autosomal Dominant, Autosomal Recessive and X-Linked Classification Criteria (2023). Collection method: clinical testing. Allele origin: unknown.
Comment: This variant is considered benign. This variant is a silent/synonymous amino acid change and it is not expected to impact splicing.

Ambry Genetics
Classification: Likely benign for Hereditary cancer-predisposing syndrome. Last evaluated: 2024-04-11. Review status: criteria provided, single submitter. Criteria: Ambry Variant Classification Scheme 2023. Collection method: clinical testing. Allele origin: germline.

Labcorp Genetics (formerly Invitae), Labcorp
Classification: Likely benign. Last evaluated: 2015-11-04. Review status: criteria provided, single submitter. Criteria: Invitae Variant Classification Sherloc (09022015). Collection method: clinical testing. Allele origin: germline.